The following is an entry in ClinVar:

ClinVar aggregate classification (germline): Pathogenic (1 of 4 stars; one submission).

Conditions:
Chédiak-Higashi syndrome (CHS). Also called: Chediak-Higashi Syndrome. Identifiers: Orphanet 167, MedGen C0007965, MONDO:0008963, OMIM 214500.

Submission:

Labcorp Genetics (formerly Invitae), Labcorp
Classification: Pathogenic for Chédiak-Higashi syndrome. Last evaluated: 2023-08-28. Review status: criteria provided, single submitter. Criteria: Invitae Variant Classification Sherloc (09022015). Collection method: clinical testing. Allele origin: unknown.
Comment: This variant is a gross deletion of the genomic region encompassing exon(s) 16-19 of the LYST gene. This deletion is out-of-frame, and is expected to create a premature termination codon and result in an absent or disrupted protein product. Loss-of-function variants in LYST are known to be pathogenic (PMID: 9215679, 11857544). This variant has not been reported in the literature in individuals affected with LYST-related conditions. For these reasons, this variant has been classified as Pathogenic.

Literature cited by the submitters: PubMed 9215679; PubMed 11857544.

NC_000001.10:g.(?_235937122)_(235944375_?)del

Gene: LYST (lysosomal trafficking regulator; minus strand). Cytogenetic location: 1q42.3.
Variant type: Deletion.
Identifiers: ClinVar variation 3247622 (VCV003247622.1).